The following is an entry in ClinVar:

ClinVar aggregate classification (germline): Pathogenic (1 of 4 stars; one submission).

Conditions:
Glycogen storage disease IXb (GSD9B). Also called: PHOSPHORYLASE KINASE DEFICIENCY OF LIVER AND MUSCLE, AUTOSOMAL RECESSIVE; GLYCOGENOSIS OF LIVER AND MUSCLE, AUTOSOMAL RECESSIVE; GSD IXb. Identifiers: Orphanet 79240, MedGen C0543514, MONDO:0009868, OMIM 261750.

Submission:

Labcorp Genetics (formerly Invitae), Labcorp
Classification: Pathogenic for Glycogen storage disease IXb. Last evaluated: 2022-12-24. Review status: criteria provided, single submitter. Criteria: Invitae Variant Classification Sherloc (09022015). Collection method: clinical testing. Allele origin: germline.
Comment: For these reasons, this variant has been classified as Pathogenic. This variant has not been reported in the literature in individuals affected with PHKB-related conditions. This variant is a gross deletion of the genomic region encompassing exon(s) 8-14 of the PHKB gene. This deletion is out-of-frame, and is expected to create a premature termination codon and result in an absent or disrupted protein product. Loss-of-function variants in PHKB are known to be pathogenic (PMID: 9215682, 9326319).

Literature cited by the submitters: PubMed 9215682; PubMed 9326319.

NC_000016.9:g.(?_47614186)_(47644851_?)del

Gene: PHKB (phosphorylase kinase regulatory subunit beta; plus strand). Cytogenetic location: 16q12.1.
Variant type: Deletion.
Identifiers: ClinVar variation 1457393 (VCV001457393.4).